The following is an entry in ClinVar:

NM_198123.2(CSMD3):c.10463T>C (p.Leu3488Pro)

Gene: CSMD3 (CUB and Sushi multiple domains 3; minus strand). Cytogenetic location: 8q23.3.
Variant type: single nucleotide variant.
Coding change: c.10463T>C on transcript NM_198123.2 (MANE Select); coding-DNA position 10463, T replaced by C.
Protein change: p.Leu3488Pro; replaces leucine 3488 with proline.
Molecular consequence: missense variant.
Genome position (GRCh38, 1-based): chr8:112,241,725, A>G on the plus strand (T>C on the coding strand, the complement: CSMD3 is on the minus strand). VCF-style: chr8-112241725-A-G. GRCh37 (hg19) VCF-style: chr8-113253954-A-G.
Other names: c.9863T>C, p.Leu3288Pro (NM_001363185.1); c.9956T>C, p.Leu3319Pro (NM_052900.3); c.10343T>C, p.Leu3448Pro (NM_198124.2); short protein forms L3288P, L3319P, L3448P, L3488P.
Identifiers: ClinVar variation 3038391 (VCV003038391.2), dbSNP rs61753736, ClinGen allele CA4848377.

ClinVar aggregate classification (germline): Benign (0 of 4 stars; one submission).

Conditions:
CSMD3-related disorder. Also called: CSMD3-related condition.

Allele frequency attached by ClinVar (database versions not stated): 1000 Genomes Project 0.00998; 1000 Genomes Project 30x 0.01015; TOPMed 0.01503; gnomAD 0.01536; ExAC 0.01725; ESP Exome Variant Server 0.01799; gnomAD exomes 0.02197.
gnomAD v4.1: 34,227 of 1,609,456 alleles (2.1%); highest among the groups gnomAD compares: Middle Eastern, 3.3%; 431 homozygotes.

Submission:

PreventionGenetics, part of Exact Sciences
Classification: Benign for CSMD3-related condition. Last evaluated: 2019-04-16. Review status: no assertion criteria provided. Collection method: clinical testing. Allele origin: germline.
Comment: This variant is classified as benign based on ACMG/AMP sequence variant interpretation guidelines (Richards et al. 2015 PMID: 25741868, with internal and published modifications).